The following is an entry in ClinVar:

ClinVar aggregate classification (germline): Pathogenic. Review status: criteria provided, multiple submitters, no conflicts (2 of 4 stars). 5 submissions from 5 submitters: Pathogenic (5). Last evaluated 2024-07-04.

Conditions:
DMD-related disorder. Also called: DMD-related condition.
Duchenne muscular dystrophy (DMD). Also called: Duchenne Muscular Dystrophy (DMD); MUSCULAR DYSTROPHY, PSEUDOHYPERTROPHIC PROGRESSIVE, DUCHENNE TYPE. Identifiers: Orphanet 98896, MedGen C0013264, MONDO:0010679, OMIM 310200.

Submissions (5):

Blueprint Genetics
Classification: Pathogenic for DMD-related disorders. Last evaluated: 2024-07-04. Review status: criteria provided, single submitter. Criteria: ACMG Guidelines, 2015. Collection method: clinical testing. Allele origin: germline. Affected: yes. Observed: 1 variant allele.

GeneDx
Classification: Pathogenic. Last evaluated: 2024-02-07. Review status: criteria provided, single submitter. Criteria: GeneDx Variant Classification Process June 2021. Collection method: clinical testing. Allele origin: germline. Affected: yes.
Comment: Nonsense variant predicted to result in protein truncation or nonsense mediated decay in a gene for which loss of function is a known mechanism of disease; Not observed at significant frequency in large population cohorts (gnomAD); This variant is associated with the following publications: (PMID: 25525159, 19959795, 25007885, 31069818, 28318817, 21396098, 29973226)

Labcorp Genetics (formerly Invitae), Labcorp
Classification: Pathogenic for Duchenne muscular dystrophy. Last evaluated: 2024-01-22. Review status: criteria provided, single submitter. Criteria: Invitae Variant Classification Sherloc (09022015). Collection method: clinical testing. Allele origin: germline.
Comment: This sequence change creates a premature translational stop signal (p.Gln1373*) in the DMD gene. It is expected to result in an absent or disrupted protein product. Loss-of-function variants in DMD are known to be pathogenic (PMID: 16770791, 25007885). This variant is not present in population databases (gnomAD no frequency). This premature translational stop signal has been observed in individual(s) with Duchenne muscular dystrophy (PMID: 19959795, 21396098, 28318817). ClinVar contains an entry for this variant (Variation ID: 94612). For these reasons, this variant has been classified as Pathogenic.

ARUP Laboratories, Molecular Genetics and Genomics, ARUP Laboratories
Classification: Pathogenic. Last evaluated: 2019-04-16. Review status: criteria provided, single submitter. Criteria: ARUP Molecular Germline Variant Investigation Process. Collection method: clinical testing. Allele origin: germline.

Eurofins Ntd Llc (ga)
Classification: Pathogenic. Last evaluated: 2012-11-28. Review status: criteria provided, single submitter. Criteria: EGL Classification Definitions 2015. Collection method: clinical testing. Allele origin: germline. Observed: 2 variant alleles, 1 heterozygote, 1 hemizygote.

Literature cited by the submitters: PubMed 16770791 (cited by Labcorp Genetics (formerly Invitae), Labcorp); PubMed 25007885 (cited by Labcorp Genetics (formerly Invitae), Labcorp); PubMed 19959795 (cited by Labcorp Genetics (formerly Invitae), Labcorp); PubMed 21396098 (cited by Labcorp Genetics (formerly Invitae), Labcorp); PubMed 28318817 (cited by Labcorp Genetics (formerly Invitae), Labcorp).

NM_004006.3(DMD):c.4117C>T (p.Gln1373Ter)

Gene: DMD (dystrophin; minus strand). Cytogenetic location: Xp21.1.
Variant type: single nucleotide variant.
Coding change: c.4117C>T on transcript NM_004006.3 (MANE Select); coding-DNA position 4117, C replaced by T.
Protein change: p.Gln1373Ter; replaces glutamine 1373 with a stop codon.
Molecular consequence: nonsense.
Genome position (GRCh38, 1-based): chrX:32,411,868, G>A on the plus strand (C>T on the coding strand, the complement: DMD is on the minus strand). VCF-style: chrX-32411868-G-A. GRCh37 (hg19) VCF-style: chrX-32429985-G-A.
Other names: NP_003997.1:p.Gln1373*; c.4093C>T, p.Gln1365Ter (NM_000109.4); c.4105C>T, p.Gln1369Ter (NM_004009.3); c.3748C>T, p.Gln1250Ter (NM_004010.3); c.94C>T, p.Gln32Ter (NM_004011.4); c.85C>T, p.Gln29Ter (NM_004012.4); short protein forms Q1373*, Q1365*, Q1250*, Q1369*, Q29*, Q32*.
Identifiers: ClinVar variation 94612 (VCV000094612.21), dbSNP rs398123948, ClinGen allele CA267016.